The following is an entry in ClinVar:

NC_000016.9:g.(?_10031796)_(10032428_?)del

Gene: GRIN2A (glutamate ionotropic receptor NMDA type subunit 2A; minus strand). Cytogenetic location: 16p13.2.
Variant type: Deletion.
Identifiers: ClinVar variation 2423416 (VCV002423416.7).

ClinVar aggregate classification (germline): Pathogenic (1 of 4 stars; one submission).

Conditions:
Landau-Kleffner syndrome (FESD). Also called: EPILEPSY, FOCAL, WITH SPEECH DISORDER AND WITH OR WITHOUT MENTAL RETARDATION; APHASIA, ACQUIRED, WITH EPILEPSY. Identifiers: Orphanet 1945, Orphanet 725, Orphanet 98818, MedGen C0282512, MONDO:0009509, OMIM 245570.

Submission:

Labcorp Genetics (formerly Invitae), Labcorp
Classification: Pathogenic for Landau-Kleffner syndrome. Last evaluated: 2022-03-28. Review status: criteria provided, single submitter. Criteria: Invitae Variant Classification Sherloc (09022015). Collection method: clinical testing. Allele origin: germline.
Comment: For these reasons, this variant has been classified as Pathogenic. A similar copy number variant has been observed in individual(s) with GRIN2A-related conditions (PMID: 30544257). This variant is a gross deletion of the genomic region encompassing exon(s) 4 of the GRIN2A gene. This deletion is out-of-frame, and is expected to create a premature termination codon and result in an absent or disrupted protein product. Loss-of-function variants in GRIN2A are known to be pathogenic (PMID: 23933819, 23933820).

Literature cited by the submitters: PubMed 30544257; PubMed 23933819; PubMed 23933820.